The following is an entry in ClinVar:

ClinVar aggregate classification (germline): Uncertain significance. Review status: criteria provided, multiple submitters, no conflicts (2 of 4 stars). 2 submissions from 2 submitters: Uncertain significance (2). Last evaluated 2025-11-23.

Conditions:
Hereditary cancer-predisposing syndrome. Also called: Hereditary Cancer Syndrome; Tumor predisposition; Hereditary neoplastic syndrome; Neoplastic Syndromes, Hereditary. Identifiers: Orphanet 140162, MedGen C0027672, MeSH D009386, MONDO:0015356.

Allele frequency attached by ClinVar (database versions not stated): TOPMed 0.00001.
gnomAD v4.1: 1 of 1,613,520 alleles (0.000062%); highest among the groups gnomAD compares: Non-Finnish European, 0.000085%; no homozygotes.

Submissions (2):

Labcorp Genetics (formerly Invitae), Labcorp
Classification: Uncertain significance. Last evaluated: 2025-11-23. Review status: criteria provided, single submitter. Criteria: Invitae Variant Classification Sherloc (09022015). Collection method: clinical testing. Allele origin: germline.
Comment: This sequence change replaces cysteine, which is neutral and slightly polar, with glycine, which is neutral and non-polar, at codon 1015 of the MSH3 protein (p.Cys1015Gly). This variant is not present in population databases (gnomAD no frequency). This variant has not been reported in the literature in individuals affected with MSH3-related conditions. ClinVar contains an entry for this variant (Variation ID: 647402). An algorithm developed to predict the effect of missense changes on protein structure and function (PolyPhen-2) suggests that this variant is likely to be tolerated. In summary, the available evidence is currently insufficient to determine the role of this variant in disease. Therefore, it has been classified as a Variant of Uncertain Significance.

Ambry Genetics
Classification: Uncertain significance for Hereditary cancer-predisposing syndrome. Last evaluated: 2025-05-20. Review status: criteria provided, single submitter. Criteria: Ambry Variant Classification Scheme 2023. Collection method: clinical testing. Allele origin: germline.
Comment: The p.C1015G variant (also known as c.3043T>G), located in coding exon 22 of the MSH3 gene, results from a T to G substitution at nucleotide position 3043. The cysteine at codon 1015 is replaced by glycine, an amino acid with highly dissimilar properties. This amino acid position is highly conserved in available vertebrate species. In addition, this alteration is predicted to be deleterious by in silico analysis. Based on the available evidence, the clinical significance of this variant remains unclear.

NM_002439.5(MSH3):c.3043T>G (p.Cys1015Gly)

Gene: MSH3 (mutS homolog 3; plus strand). Cytogenetic location: 5q14.1.
Variant type: single nucleotide variant.
Coding change: c.3043T>G on transcript NM_002439.5 (MANE Select); coding-DNA position 3043, T replaced by G.
Protein change: p.Cys1015Gly; replaces cysteine 1015 with glycine.
Molecular consequence: missense variant.
Genome position (GRCh38, 1-based): chr5:80,864,855, T>G. VCF-style: chr5-80864855-T-G. GRCh37 (hg19) VCF-style: chr5-80160674-T-G.
Other names: short protein forms C1015G.
Identifiers: ClinVar variation 647402 (VCV000647402.12), dbSNP rs1229168817, ClinGen allele CA360346193.